The following is an entry in ClinVar:

ClinVar aggregate classification (germline): Uncertain significance (1 of 4 stars; one submission).

Conditions:
ALG12-congenital disorder of glycosylation (CDG1G). Also called: Congenital disorder of glycosylation, type Ig; CDG Ig; ALG12-CDG. Identifiers: Orphanet 79324, MedGen C2931001, MONDO:0011783, OMIM 607143.

Allele frequency attached by ClinVar (database versions not stated): TOPMed below 0.00001.
gnomAD v4.1: 1 of 1,614,196 alleles (0.000062%); no homozygotes.

Submission:

Labcorp Genetics (formerly Invitae), Labcorp
Classification: Uncertain significance for ALG12-congenital disorder of glycosylation. Last evaluated: 2022-06-08. Review status: criteria provided, single submitter. Criteria: Invitae Variant Classification Sherloc (09022015). Collection method: clinical testing. Allele origin: germline.
Comment: This sequence change replaces leucine, which is neutral and non-polar, with proline, which is neutral and non-polar, at codon 443 of the ALG12 protein (p.Leu443Pro). This variant is not present in population databases (gnomAD no frequency). This variant has not been reported in the literature in individuals affected with ALG12-related conditions. Algorithms developed to predict the effect of missense changes on protein structure and function output the following: SIFT: "Tolerated"; PolyPhen-2: "Benign"; Align-GVGD: "Class C0". The proline amino acid residue is found in multiple mammalian species, which suggests that this missense change does not adversely affect protein function. In summary, the available evidence is currently insufficient to determine the role of this variant in disease. Therefore, it has been classified as a Variant of Uncertain Significance.

NM_024105.4(ALG12):c.1328T>C (p.Leu443Pro)

Gene: ALG12 (ALG12 alpha-1,6-mannosyltransferase; minus strand). Cytogenetic location: 22q13.33.
Variant type: single nucleotide variant.
Coding change: c.1328T>C on transcript NM_024105.4 (MANE Select); coding-DNA position 1328, T replaced by C.
Protein change: p.Leu443Pro; replaces leucine 443 with proline.
Molecular consequence: missense variant.
Genome position (GRCh38, 1-based): chr22:49,903,977, A>G on the plus strand (T>C on the coding strand, the complement: ALG12 is on the minus strand). VCF-style: chr22-49903977-A-G. GRCh37 (hg19) VCF-style: chr22-50297625-A-G.
Other names: short protein forms L443P.
Identifiers: ClinVar variation 2421167 (VCV002421167.6), dbSNP rs2060528499, ClinGen allele CA412071661.